The following is an entry in ClinVar:

ClinVar aggregate classification (germline): Uncertain significance (1 of 4 stars; one submission).

Conditions:
Complement component 5 deficiency. Also called: C5 DEFICIENCY. Identifiers: MedGen C0343047, MONDO:0012295, OMIM 609536.

gnomAD v4.1: 1 of 1,613,986 alleles (0.000062%); highest among the groups gnomAD compares: South Asian, 0.0011%; no homozygotes.

Submission:

Neuberg Centre For Genomic Medicine, NCGM
Classification: Uncertain significance for Complement component 5 deficiency. Review status: criteria provided, single submitter. Criteria: ACMG Guidelines, 2015. Collection method: clinical testing. Allele origin: germline. Inheritance: Autosomal recessive inheritance. Affected: yes.
Comment: The missense c.1267A>T p.Asn423Tyr variant in C5 gene has not been reported previously as a pathogenic variant nor as a benign variant, to our knowledge. The p.Asn423Tyr variant is absent in gnomAD Exomes. This variant has not been submitted to the ClinVar database. Multiple lines of computational evidence Polyphen - Probably Damaging, SIFT - Damaging and MutationTaster - Disease causing predict a damaging effect on protein structure and function for this variant. The reference amino acid at this position in C5 is predicted as conserved by GERP++ and PhyloP across 100 vertebrates. The amino acid Asn at position 423 is changed to a Tyr changing protein sequence and it might alter its composition and physico-chemical properties. For these reasons, this variant has been classified as a Variant of Uncertain Significance VUS. In absence of another reportable variant in C5 gene, the molecular diagnosis is not confirmed.

NM_001735.3(C5):c.1267A>T (p.Asn423Tyr)

Gene: C5 (complement C5; minus strand). Cytogenetic location: 9q33.2.
Variant type: single nucleotide variant.
Coding change: c.1267A>T on transcript NM_001735.3 (MANE Select); coding-DNA position 1267, A replaced by T.
Protein change: p.Asn423Tyr; replaces asparagine 423 with tyrosine.
Molecular consequence: missense variant.
Genome position (GRCh38, 1-based): chr9:121,021,544, T>A on the plus strand (A>T on the coding strand, the complement: C5 is on the minus strand). VCF-style: chr9-121021544-T-A. GRCh37 (hg19) VCF-style: chr9-123783822-T-A.
Other names: c.1285A>T, p.Asn429Tyr (NM_001317163.2); c.1267A>T, p.Asn423Tyr (NM_001317164.2); short protein forms N423Y, N429Y.
Identifiers: ClinVar variation 3391333 (VCV003391333.1).